The following is an entry in ClinVar:

ClinVar aggregate classification (germline): Uncertain significance (1 of 4 stars; one submission).

Allele frequency attached by ClinVar (database versions not stated): TOPMed below 0.00001.

Submission:

CeGaT Center for Human Genetics Tuebingen
Classification: Uncertain significance. Last evaluated: 2024-04-01. Review status: criteria provided, single submitter. Criteria: CeGaT Center For Human Genetics Tuebingen Variant Classification Criteria Version 2. Collection method: clinical testing. Allele origin: germline. Affected: yes. Observed: 2 variant alleles.
Comment: NR0B2: PM2, PS3:Supporting, PS4:Supporting

NM_021969.3(NR0B2):c.278G>A (p.Gly93Asp)

Genes: NR0B2 (nuclear receptor subfamily 0 group B member 2; minus strand), NUDC (nuclear distribution C, dynein complex regulator; plus strand). Cytogenetic location: 1p36.11.
Variant type: single nucleotide variant.
Coding change: c.278G>A on transcript NM_021969.3 (MANE Select); coding-DNA position 278, G replaced by A.
Protein change: p.Gly93Asp; replaces glycine 93 with aspartic acid.
Molecular consequence: missense variant.
Genome position (GRCh38, 1-based): chr1:26,913,663, C>T on the plus strand (G>A on the coding strand, the complement: NR0B2 is on the minus strand). VCF-style: chr1-26913663-C-T. GRCh37 (hg19) VCF-style: chr1-27240154-C-T.
Other names: short protein forms G93D.
Identifiers: ClinVar variation 1694501 (VCV001694501.31), dbSNP rs2082043108, ClinGen allele CA339191774.